The following is an entry in ClinVar:

ClinVar aggregate classification (germline): Likely pathogenic. Review status: criteria provided, multiple submitters, no conflicts (2 of 4 stars). 4 submissions from 4 submitters: Likely pathogenic (4). Last evaluated 2026-09-08.

Conditions:
Fabry disease. Also called: Fabry's disease; Angiokeratoma corporis diffusum; GLA DEFICIENCY; HEREDITARY DYSTOPIC LIPIDOSIS; ALPHA-GALACTOSIDASE A DEFICIENCY; ANDERSON-FABRY DISEASE. Identifiers: Orphanet 324, MedGen C0002986, MONDO:0010526, OMIM 301500, HP:0001071. Disease mechanism: loss of function, Fabry disease is due to inactivating mutations in the X-linked GLA gene resulting in deficiency of the enzyme Alpha Galactosidase-A..

Submissions (4):

Genomenon, Inc
Classification: Likely pathogenic for Fabry disease. Last evaluated: 2026-09-08. Review status: criteria provided, single submitter. Criteria: Genomenon Sequence Variant Interpretation Standards - Updated. Collection method: curation. Allele origin: germline. Affected: yes.
Comment: GLA p.Leu429PhefsTer4 (c.1285del) is a frameshift variant that results in the production of an extended protein product. This variant has been observed in at least one proband with clinical features consistent with Fabry disease (PMID:30644091;33204599;36087505). Functional or patient cell studies have been reported (PMID:30644091;33204599;36087505). It is absent or not present at a significant frequency in gnomAD. In conclusion, we classify GLA p.Leu429PhefsTer4 (c.1285del) as a likely pathogenic variant.

GeneDx
Classification: Likely pathogenic. Last evaluated: 2024-11-21. Review status: criteria provided, single submitter. Criteria: GeneDx Variant Classification Process June 2021. Collection method: clinical testing. Allele origin: germline. Affected: yes.
Comment: Frameshift variant predicted to result in abnormal protein length as the final amino acid is replaced with unknown different amino acids; Not observed at significant frequency in large population cohorts (gnomAD); This variant is associated with the following publications: (PMID: 30644091, 33301762)

Genome-Nilou Lab
Classification: Likely pathogenic for Fabry disease. Last evaluated: 2021-07-15. Review status: criteria provided, single submitter. Criteria: ACMG Guidelines, 2015. Collection method: clinical testing. Allele origin: germline. Affected: no.

Women's Health and Genetics/Laboratory Corporation of America, LabCorp
Classification: Likely pathogenic for Fabry disease. Last evaluated: 2020-03-06. Review status: criteria provided, single submitter. Criteria: LabCorp Variant Classification Summary - May 2015. Collection method: clinical testing. Allele origin: germline.
Comment: Variant summary: GLA c.1285delC (p.Leu429PhefsX7+) causes a frameshift which results in an extension of the protein. The variant was absent in 182910 control chromosomes (gnomAD). c.1285delC has been reported in the literature in at least two individuals affected with Fabry Disease (Barbey_2019). These data indicate that the variant may be associated with disease. To our knowledge, no experimental evidence demonstrating an impact on protein function has been reported. One clinical diagnostic laboratory has submitted clinical-significance assessments for this variant to ClinVar after 2014 without evidence for independent evaluation and cited the variant as uncertain significance. Based on the evidence outlined above, the variant was classified as likely pathogenic.

Literature cited by the submitters: PubMed 30644091 (cited by Genomenon, Inc and Women's Health and Genetics/Laboratory Corporation of America, LabCorp); PubMed 33204599 (cited by Genomenon, Inc); PubMed 36087505 (cited by Genomenon, Inc).

NM_000169.3(GLA):c.1285del (p.Leu429fs)

Genes: GLA (galactosidase alpha; minus strand), RPL36A-HNRNPH2 (RPL36A-HNRNPH2 readthrough; plus strand). Cytogenetic location: Xq22.1.
Variant type: Deletion.
Coding change: c.1285del on transcript NM_000169.3 (MANE Select); coding-DNA position 1285, one base deleted (C; older notation c.1285delC).
Protein change: p.Leu429fs; shifts the reading frame from leucine 429.
Molecular consequence: frameshift variant. On other transcripts: non-coding transcript variant (3), intron variant (2).
Genome position (GRCh38, 1-based): chrX:101,397,814, G deleted on the plus strand (C on the coding strand, the reverse complement: GLA is on the minus strand). VCF-style (leftmost placement, unchanged base first): chrX-101397813-AG-A. GRCh37 (hg19) VCF-style: chrX-100652801-AG-A.
Other names: c.1408del, p.Leu470fs (NM_001406747.1); c.300+2357del (NM_001199973.2); c.177+5992del (NM_001199974.2); c.1285del (NM_000169.2); short protein forms L429fs, L470fs.
Identifiers: ClinVar variation 451478 (VCV000451478.9), dbSNP rs1555984717, ClinGen allele CA658656859.